The following is an entry in ClinVar:

NM_001330360.2(POLA1):c.3532G>A (p.Gly1178Arg)

Gene: POLA1 (DNA polymerase alpha 1, catalytic subunit; plus strand). Cytogenetic location: Xp22.11.
Variant type: single nucleotide variant.
Coding change: c.3532G>A on transcript NM_001330360.2 (MANE Select); coding-DNA position 3532, G replaced by A.
Protein change: p.Gly1178Arg; replaces glycine 1178 with arginine.
Molecular consequence: missense variant. On other transcripts: non-coding transcript variant (2).
Genome position (GRCh38, 1-based): chrX:24,821,554, G>A. VCF-style: chrX-24821554-G-A. GRCh37 (hg19) VCF-style: chrX-24839671-G-A.
Other names: c.3457G>A, p.Gly1153Arg (NM_001378303.1); c.3514G>A, p.Gly1172Arg (NM_016937.4); short protein forms G1153R, G1172R, G1178R.
Identifiers: ClinVar variation 2780801 (VCV002780801.3), dbSNP rs2518694125, ClinGen allele CA412527578.
Genomic context (GRCh38, chrX:24,821,554, plus strand): 5'-CTACCTCATGTACATGTTGCCCTCTGGATAAATTCTCAAGGAGGCAGAAAGGTGAAAGCT[G>A]GAGATACTGTGTCATATGTCATCTGTCAGGTAAACTATTGACATTCGTAAGACTCTGACA-3'
Protein context (NP_001317289.1, residues 1168-1188): NSQGGRKVKA[Gly1178Arg]DTVSYVICQD

ClinVar aggregate classification (germline): Uncertain significance (1 of 4 stars; one submission).

Allele frequency attached by ClinVar (database versions not stated): gnomAD exomes below 0.00001.
gnomAD v4.1: 1 of 1,200,936 alleles (0.000083%); highest among the groups gnomAD compares: Non-Finnish European, 0.00011%; no homozygotes.

Submission:

Labcorp Genetics (formerly Invitae), Labcorp
Classification: Uncertain significance. Last evaluated: 2023-08-17. Review status: criteria provided, single submitter. Criteria: Invitae Variant Classification Sherloc (09022015). Collection method: clinical testing. Allele origin: germline.
Comment: In summary, the available evidence is currently insufficient to determine the role of this variant in disease. Therefore, it has been classified as a Variant of Uncertain Significance. Advanced modeling of protein sequence and biophysical properties (such as structural, functional, and spatial information, amino acid conservation, physicochemical variation, residue mobility, and thermodynamic stability) performed at Invitae indicates that this missense variant is expected to disrupt POLA1 protein function. This variant has not been reported in the literature in individuals affected with POLA1-related conditions. This variant is not present in population databases (gnomAD no frequency). This sequence change replaces glycine, which is neutral and non-polar, with arginine, which is basic and polar, at codon 1172 of the POLA1 protein (p.Gly1172Arg).